The following is an entry in ClinVar:

NM_001378454.1(ALMS1):c.9861A>G (p.Pro3287=)

Gene: ALMS1 (ALMS1 centrosome and basal body associated protein; plus strand). Cytogenetic location: 2p13.1.
Variant type: single nucleotide variant.
Coding change: c.9861A>G on transcript NM_001378454.1 (MANE Select); coding-DNA position 9861, A replaced by G.
Protein change: p.Pro3287=; no amino-acid change (proline 3287 retained).
Molecular consequence: synonymous variant.
Genome position (GRCh38, 1-based): chr2:73,534,903, A>G. VCF-style: chr2-73534903-A-G. GRCh37 (hg19) VCF-style: chr2-73762030-A-G.
Other names: c.9864A>G, p.Pro3288= (NM_015120.4).
Identifiers: ClinVar variation 241018 (VCV000241018.51), dbSNP rs114687298, ClinGen allele CA1714792.
Genomic context (GRCh38, chr2:73,534,903, plus strand): 5'-ATATAAGCCTTCTGGTAGTACCAAGATGTATTATGTTCCACAATTAAGACAAATTCCTCC[A>G]TCTCCGGATTCCAAATCAGATACCACCGTTGAAAGCTCCCATTCAGGTATTATGCAGAAA-3'
Protein context (NP_001365383.1, residues 3277-3297): YYVPQLRQIP[Pro3287=]SPDSKSDTTV

ClinVar aggregate classification (germline): Likely benign. Review status: criteria provided, multiple submitters, no conflicts (2 of 4 stars). 7 submissions from 7 submitters: Likely benign (7). Last evaluated 2026-03-01.

Conditions:
Cardiovascular phenotype. Identifiers: MedGen CN230736.
Alstrom syndrome (ALMS). Identifiers: Orphanet 64, MedGen C0268425, MONDO:0008763, OMIM 203800.

Allele frequency attached by ClinVar (database versions not stated): ExAC 0.00029; 1000 Genomes Project 30x 0.00031; gnomAD 0.00034; TOPMed 0.00036; 1000 Genomes Project 0.00040; ESP Exome Variant Server 0.00051.
gnomAD v4.1: 1,126 of 1,613,776 alleles (0.07%); highest among the groups gnomAD compares: Non-Finnish European, 0.09%; 1 homozygote.

Submissions (7):

CeGaT Center for Human Genetics Tuebingen
Classification: Likely benign. Last evaluated: 2026-03-01. Review status: criteria provided, single submitter. Criteria: CeGaT Center For Human Genetics Tuebingen Variant Classification Criteria Version 2. Collection method: clinical testing. Allele origin: germline. Affected: yes. Observed: 4 variant alleles.
Comment: ALMS1: BP4, BP7

Labcorp Genetics (formerly Invitae), Labcorp
Classification: Likely benign for Alstrom syndrome. Last evaluated: 2026-02-02. Review status: criteria provided, single submitter. Criteria: Invitae Variant Classification Sherloc (09022015). Collection method: clinical testing. Allele origin: germline.

Women's Health and Genetics/Laboratory Corporation of America, LabCorp
Classification: Likely benign. Last evaluated: 2025-11-01. Review status: criteria provided, single submitter. Criteria: LabCorp Variant Classification Summary - May 2015. Collection method: clinical testing. Allele origin: germline.

Blueprint Genetics
Classification: Likely benign. Last evaluated: 2024-11-05. Review status: criteria provided, single submitter. Criteria: ACMG Guidelines, 2015. Collection method: clinical testing. Allele origin: germline.

GeneDx
Classification: Likely benign. Last evaluated: 2021-03-09. Review status: criteria provided, single submitter. Criteria: GeneDx Variant Classification Process June 2021. Collection method: clinical testing. Allele origin: germline. Affected: yes.

Ambry Genetics
Classification: Likely benign for Cardiovascular phenotype. Last evaluated: 2019-06-25. Review status: criteria provided, single submitter. Criteria: Ambry Variant Classification Scheme 2023. Collection method: clinical testing. Allele origin: germline.

Laboratory for Molecular Medicine, Mass General Brigham Personalized Medicine
Classification: Likely benign. Last evaluated: 2017-08-23. Review status: criteria provided, single submitter. Criteria: LMM Criteria. Collection method: clinical testing. Allele origin: germline. Observed: 2 variant alleles.
Comment: p.Pro3286Pro in exon 12 of ALMS1: This variant is not expected to have clinical significance because it does not alter an amino acid residue and is not located within the splice consensus sequence. It has been identified in 0.05% (32/66722) of European chromosomes by the Exome Aggregation Consortium (ExAC.; dbSNP rs114687298).